The following is an entry in ClinVar:

NM_001843.4(CNTN1):c.1110+67G>A

Gene: CNTN1 (contactin 1; plus strand). Cytogenetic location: 12q12.
Variant type: single nucleotide variant.
Coding change: c.1110+67G>A on transcript NM_001843.4 (MANE Select); 67 bases into the intron after coding-DNA position 1110, G replaced by A.
Molecular consequence: intron variant.
Genome position (GRCh38, 1-based): chr12:40,936,972, G>A. VCF-style: chr12-40936972-G-A. GRCh37 (hg19) VCF-style: chr12-41330774-G-A.
Other names: c.1110+67G>A (NM_001256063.2, NM_001256064.2); c.1077+67G>A (NM_175038.2).
Identifiers: ClinVar variation 670393 (VCV000670393.2), dbSNP rs74587413, ClinGen allele CA13774105.

ClinVar aggregate classification (germline): Benign. Review status: criteria provided, multiple submitters, no conflicts (2 of 4 stars). 2 submissions from 2 submitters: Benign (2). Last evaluated 2018-06-19.

Allele frequency attached by ClinVar (database versions not stated): 1000 Genomes Project 0.01597; 1000 Genomes Project 30x 0.01640; gnomAD 0.03554 and 0.03642; TOPMed 0.03566; gnomAD exomes 0.05530.
gnomAD v4.1: 84,902 of 1,598,068 alleles (5.3%); highest among the groups gnomAD compares: Non-Finnish European, 6.5%; 2,702 homozygotes.

Submissions (2):

GeneDx
Classification: Benign. Last evaluated: 2018-06-19. Review status: criteria provided, single submitter. Criteria: GeneDx Variant Classification (06012015). Collection method: clinical testing. Allele origin: germline. Affected: yes.
Comment: This variant is considered likely benign or benign based on one or more of the following criteria: it is a conservative change, it occurs at a poorly conserved position in the protein, it is predicted to be benign by multiple in silico algorithms, and/or has population frequency not consistent with disease.

Breakthrough Genomics
Classification: Benign. Review status: criteria provided, single submitter. Criteria: ACMG Guidelines, 2015. Collection method: not provided. Allele origin: germline. Inheritance: Autosomal recessive inheritance. Affected: yes.